The following is an entry in ClinVar:

GRCh38/hg38 2q37.2-37.3(chr2:235875826-242193519)x1

Genes: LRRFIP1 (LRR binding FLII interacting protein 1; plus strand), MAB21L4 (mab-21 like 4; minus strand), MIR149 (microRNA 149; plus strand), MIR2467 (microRNA 2467; minus strand), MIR3133 (microRNA 3133; plus strand) and 295 more. Cytogenetic location: 2q37.2-37.3.
Variant type: copy number loss.
Change: copy number 1 (one copy instead of two) of chr2:235,875,826-242,193,519 (6.32 Mb, GRCh38 coordinates, 1-based), cytogenetic band 2q37.2-37.3.
Identifiers: ClinVar variation 4886821 (VCV004886821.1).

ClinVar aggregate classification (germline): Pathogenic (0 of 4 stars; one submission).

Submission:

Diagnostics Centre, Carl Von Ossietzky University Oldenburg
Classification: Pathogenic. Last evaluated: 2025-01-20. Review status: no assertion criteria provided. Collection method: clinical testing. Allele origin: germline. Affected: yes. Observed: 1 variant allele.
Comment: The identified alteration is a heterozygous deletion involving the terminal region of chromosome 2 (2q37.3). The deletion spans approximately 6.3 Mb and encompasses 62 genes. Multiple pathogenic deletions of comparable size and location have been reported in association with 2q37 deletion syndrome (also referred to as Albright hereditary osteodystrophy-like syndrome type 3 or brachydactyly–intellectual disability syndrome). This is a rare disorder that typically manifests during the neonatal period. The clinical presentation is variable with respect to both type and severity of symptoms. Characteristic features include developmental delay and intellectual disability, brachymetaphalangy affecting the third to fifth digits, short stature with obesity, hypotonia, scoliosis, joint hypermobility, and distinctive facial dysmorphic features. Behavioral abnormalities are common and may include autistic and repetitive behaviors, significant deficits in communication and social interaction, stereotypic movements, episodic aggression, hyperactivity, attention-deficit symptoms, obsessive–compulsive behaviors, and sleep disturbances. Additional manifestations may include other malformations of the hands and feet, microcephaly or macrocephaly, eczema, and congenital anomalies involving internal organs. In the majority of cases, 2q37 deletion syndrome occurs de novo. In summary, the present alteration is classified as Pathogenic.